The following is an entry in ClinVar:

ClinVar aggregate classification (germline): Uncertain significance (1 of 4 stars; one submission).

Allele frequency attached by ClinVar (database versions not stated): gnomAD exomes below 0.00001.
gnomAD v4.1: 1 of 1,613,592 alleles (0.000062%); no homozygotes.

Submission:

Ambry Genetics
Classification: Uncertain significance. Last evaluated: 2021-10-29. Review status: criteria provided, single submitter. Criteria: Ambry Variant Classification Scheme 2023. Collection method: clinical testing. Allele origin: germline.
Comment: The p.L76F variant (also known as c.226C>T), located in coding exon 1 of the EGLN2 gene, results from a C to T substitution at nucleotide position 226. The leucine at codon 76 is replaced by phenylalanine, an amino acid with highly similar properties. This amino acid position is conserved. In addition, this alteration is predicted to be tolerated by in silico analysis. Since supporting evidence is limited at this time, the clinical significance of this alteration remains unclear.

NM_080732.4(EGLN2):c.226C>T (p.Leu76Phe)

Genes: EGLN2 (egl-9 family hypoxia inducible factor 2; plus strand), RAB4B-EGLN2 (RAB4B-EGLN2 readthrough (NMD candidate); plus strand). Cytogenetic location: 19q13.2.
Variant type: single nucleotide variant.
Coding change: c.226C>T on transcript NM_080732.4 (MANE Select); coding-DNA position 226, C replaced by T.
Protein change: p.Leu76Phe; replaces leucine 76 with phenylalanine.
Molecular consequence: missense variant. On other transcripts: non-coding transcript variant (1).
Genome position (GRCh38, 1-based): chr19:40,800,798, C>T. VCF-style: chr19-40800798-C-T. GRCh37 (hg19) VCF-style: chr19-41306703-C-T.
Other names: c.226C>T, p.Leu76Phe (NM_053046.4); short protein forms L76F.
Identifiers: ClinVar variation 1788756 (VCV001788756.2), dbSNP rs2083250425, ClinGen allele CA405954815.